The following is an entry in ClinVar:

ClinVar aggregate classification (germline): Uncertain significance (1 of 4 stars; one submission).

Conditions:
Familial hypobetalipoproteinemia 1. Also called: Hypobetalipoproteinemia, normotriglyceridemic; Acanthocytosis with hypobetalipoproteinemia; APOB-Related Familial Hypobetalipoproteinemia. Identifiers: MedGen C4551990, MONDO:0014252, OMIM 615558.
Hypercholesterolemia, autosomal dominant, type B (FHCL2). Also called: Familial hypercholesterolemia 2; APOB-Related Familial Hypercholesterolemia, Autosomal Dominant; Familial Hypercholesterolemia Type B; APOLIPOPROTEIN B-100, FAMILIAL DEFECTIVE; APOLIPOPROTEIN B-100, FAMILIAL LIGAND-DEFECTIVE; HYPERCHOLESTEROLEMIA, FAMILIAL, DUE TO LIGAND-DEFECTIVE APOLIPOPROTEIN B. Identifiers: MedGen C1704417, MONDO:0007751, OMIM 144010.

Submission:

Labcorp Genetics (formerly Invitae), Labcorp
Classification: Uncertain significance for Familial hypobetalipoproteinemia 1; Hypercholesterolemia, autosomal dominant, type B. Last evaluated: 2023-04-04. Review status: criteria provided, single submitter. Criteria: Invitae Variant Classification Sherloc (09022015). Collection method: clinical testing. Allele origin: germline.
Comment: In summary, the available evidence is currently insufficient to determine the role of this variant in disease. Therefore, it has been classified as a Variant of Uncertain Significance. This sequence change replaces tyrosine, which is neutral and polar, with histidine, which is basic and polar, at codon 2759 of the APOB protein (p.Tyr2759His). This variant is not present in population databases (gnomAD no frequency). This variant has not been reported in the literature in individuals affected with APOB-related conditions. ClinVar contains an entry for this variant (Variation ID: 1040953). Advanced modeling of protein sequence and biophysical properties (such as structural, functional, and spatial information, amino acid conservation, physicochemical variation, residue mobility, and thermodynamic stability) performed at Invitae indicates that this missense variant is not expected to disrupt APOB protein function.

NM_000384.3(APOB):c.8275T>C (p.Tyr2759His)

Gene: APOB (apolipoprotein B; minus strand). Cytogenetic location: 2p24.1.
Variant type: single nucleotide variant.
Coding change: c.8275T>C on transcript NM_000384.3 (MANE Select); coding-DNA position 8275, T replaced by C.
Protein change: p.Tyr2759His; replaces tyrosine 2759 with histidine.
Molecular consequence: missense variant.
Genome position (GRCh38, 1-based): chr2:21,008,593, A>G on the plus strand (T>C on the coding strand, the complement: APOB is on the minus strand). VCF-style: chr2-21008593-A-G. GRCh37 (hg19) VCF-style: chr2-21231465-A-G.
Other names: short protein forms Y2759H.
Identifiers: ClinVar variation 1040953 (VCV001040953.11), dbSNP rs1663216607, ClinGen allele CA345994828.